The following is an entry in ClinVar:

NM_005045.4(RELN):c.10307T>C (p.Met3436Thr)

Genes: RELN (reelin; minus strand), SLC26A5-AS1 (SLC26A5 antisense RNA 1; plus strand). Cytogenetic location: 7q22.1.
Variant type: single nucleotide variant.
Coding change: c.10307T>C on transcript NM_005045.4 (MANE Select); coding-DNA position 10307, T replaced by C.
Protein change: p.Met3436Thr; replaces methionine 3436 with threonine.
Molecular consequence: missense variant.
Genome position (GRCh38, 1-based): chr7:103,472,888, A>G on the plus strand (T>C on the coding strand, the complement: RELN is on the minus strand). VCF-style: chr7-103472888-A-G. GRCh37 (hg19) VCF-style: chr7-103113335-A-G.
Other names: c.10301T>C, p.Met3434Thr (NM_173054.3); short protein forms M3434T, M3436T.
Identifiers: ClinVar variation 3389522 (VCV003389522.14).

ClinVar aggregate classification (germline): Uncertain significance (1 of 4 stars; one submission).

gnomAD v4.1: 9 of 1,613,908 alleles (0.00056%); highest among the groups gnomAD compares: Non-Finnish European, 0.00076%; no homozygotes.

Submission:

CeGaT Center for Human Genetics Tuebingen
Classification: Uncertain significance. Last evaluated: 2026-03-01. Review status: criteria provided, single submitter. Criteria: CeGaT Center For Human Genetics Tuebingen Variant Classification Criteria Version 2. Collection method: clinical testing. Allele origin: germline. Affected: yes. Observed: 2 variant alleles.
Comment: RELN: PM2